The following is an entry in ClinVar:

NM_001080467.3(MYO5B):c.3276+11T>C

Gene: MYO5B (myosin VB; minus strand). Cytogenetic location: 18q21.1.
Variant type: single nucleotide variant.
Coding change: c.3276+11T>C on transcript NM_001080467.3 (MANE Select); 11 bases into the intron after coding-DNA position 3276, T replaced by C.
Molecular consequence: intron variant.
Genome position (GRCh38, 1-based): chr18:49,878,934, A>G on the plus strand (T>C on the coding strand, the complement: MYO5B is on the minus strand). VCF-style: chr18-49878934-A-G. GRCh37 (hg19) VCF-style: chr18-47405304-A-G.
Identifiers: ClinVar variation 327030 (VCV000327030.23), dbSNP rs2276176, ClinGen allele CA8960784.
Genomic context (GRCh38, chr18:49,878,934, plus strand): 5'-AGATCACGTGGTCAGAAGCTGGACAGGAGCCAGGGACCTGTGCCATGGCACAGCAGAAGC[A>G]CCCCCCTTGCCTTTATGATGGTCATTTCATCCCGAAGGTTGTCGTATCTCTGCTCCAACT-3'

ClinVar aggregate classification (germline): Benign. Review status: criteria provided, multiple submitters, no conflicts (2 of 4 stars). 7 submissions from 7 submitters: Benign (7). Last evaluated 2026-02-04.

Conditions:
Congenital microvillous atrophy (DIAR2). Also called: Microvillus inclusion disease; MICROVILLUS ATROPHY, CONGENITAL; CONGENITAL FAMILIAL PROTRACTED DIARRHEA WITH ENTEROCYTE BRUSH-BORDER ABNORMALITIES; DAVIDSON DISEASE; Diarrhea 2 with microvillus atrophy, with or without cholestasis. Identifiers: Orphanet 2290, MedGen C0341306, MONDO:0009635, OMIM 251850.
MYO5B-related disorder. Also called: MYO5B-related condition.

Allele frequency attached by ClinVar (database versions not stated): ESP Exome Variant Server 0.20262; gnomAD exomes 0.21653; gnomAD 0.22610 and 0.23214; TOPMed 0.22958; 1000 Genomes Project 30x 0.28435; 1000 Genomes Project 0.28974.
gnomAD v4.1: 352,414 of 1,613,030 alleles (22%); highest among the groups gnomAD compares: East Asian, 39%; 40,786 homozygotes.

Submissions (7):

Labcorp Genetics (formerly Invitae), Labcorp
Classification: Benign. Last evaluated: 2026-02-04. Review status: criteria provided, single submitter. Criteria: Invitae Variant Classification Sherloc (09022015). Collection method: clinical testing. Allele origin: germline.

PreventionGenetics, part of Exact Sciences
Classification: Benign for MYO5B-related condition. Last evaluated: 2024-10-09. Review status: criteria provided, single submitter. Criteria: ACMG Guidelines, 2015. Collection method: clinical testing. Allele origin: germline.
Comment: This variant is classified as benign based on ACMG/AMP sequence variant interpretation guidelines (Richards et al. 2015 PMID: 25741868, with internal and published modifications).

Genome-Nilou Lab
Classification: Benign for Congenital microvillous atrophy. Last evaluated: 2021-09-05. Review status: criteria provided, single submitter. Criteria: ACMG Guidelines, 2015. Collection method: clinical testing. Allele origin: germline. Affected: no.

GeneDx
Classification: Benign. Last evaluated: 2018-11-12. Review status: criteria provided, single submitter. Criteria: GeneDx Variant Classification Process June 2021. Collection method: clinical testing. Allele origin: germline. Affected: yes.

Illumina Laboratory Services, Illumina
Classification: Benign for Congenital microvillous atrophy. Last evaluated: 2018-01-12. Review status: criteria provided, single submitter. Criteria: ICSL Variant Classification Criteria 13 December 2019. Collection method: clinical testing. Allele origin: germline.
Comment: This variant was observed in the ICSL laboratory as part of a predisposition screen in an ostensibly healthy population. It had not been previously curated by ICSL or reported in the Human Gene Mutation Database (HGMD: prior to June 1st, 2018), and was therefore a candidate for classification through an automated scoring system. Utilizing variant allele frequency, disease prevalence and penetrance estimates, and inheritance mode, an automated score was calculated to assess if this variant is too frequent to cause the disease. Based on the score and internal cut-off values, a variant classified as benign is not then subjected to further curation. The score for this variant resulted in a classification of benign for this disease.

Laboratory for Molecular Medicine, Mass General Brigham Personalized Medicine
Classification: Benign. Last evaluated: 2016-03-28. Review status: criteria provided, single submitter. Criteria: LMM Criteria. Collection method: clinical testing. Allele origin: germline.
Comment: Variant identified in a genome or exome case(s) and assessed due to predicted null impact of the variant or pathogenic assertions in the literature or databases. Disclaimer: This variant has not undergone full assessment. The following are preliminary notes: Frequency

Breakthrough Genomics
Classification: Benign. Review status: criteria provided, single submitter. Criteria: ACMG Guidelines, 2015. Collection method: not provided. Allele origin: germline. Inheritance: Autosomal recessive inheritance. Affected: yes.